The following is an entry in ClinVar:

NM_144573.4(NEXN):c.1476A>T (p.Glu492Asp)

Gene: NEXN (nexilin F-actin binding protein; plus strand). Cytogenetic location: 1p31.1.
Variant type: single nucleotide variant.
Coding change: c.1476A>T on transcript NM_144573.4 (MANE Select); coding-DNA position 1476, A replaced by T.
Protein change: p.Glu492Asp; replaces glutamic acid 492 with aspartic acid.
Molecular consequence: missense variant.
Genome position (GRCh38, 1-based): chr1:77,942,025, A>T. VCF-style: chr1-77942025-A-T. GRCh37 (hg19) VCF-style: chr1-78407710-A-T.
Other names: c.1284A>T, p.Glu428Asp (NM_001172309.2); short protein forms E492D, E428D.
Identifiers: ClinVar variation 5025501 (VCV005025501.1).

ClinVar aggregate classification (germline): Uncertain significance (1 of 4 stars; one submission).

Conditions:
Cardiovascular phenotype. Identifiers: MedGen CN230736.

Submission:

Ambry Genetics
Classification: Uncertain significance for Cardiovascular phenotype. Last evaluated: 2026-09-04. Review status: criteria provided, single submitter. Criteria: Ambry Variant Classification Scheme 2023. Collection method: clinical testing. Allele origin: germline.
Comment: The p.E492D variant (also known as c.1476A>T), located in coding exon 11 of the NEXN gene, results from an A to T substitution at nucleotide position 1476. The glutamic acid at codon 492 is replaced by aspartic acid, an amino acid with highly similar properties. This amino acid position is conserved. In addition, this alteration is predicted to be tolerated by in silico analysis. Based on the available evidence, the clinical significance of this variant remains unclear.